The following is an entry in ClinVar:

ClinVar aggregate classification (germline): Uncertain significance. Review status: criteria provided, multiple submitters, no conflicts (2 of 4 stars). 3 submissions from 3 submitters: Uncertain significance (3). Last evaluated 2026-02-24.

Conditions:
Hereditary cancer-predisposing syndrome. Also called: Hereditary Cancer Syndrome; Tumor predisposition; Neoplastic Syndromes, Hereditary; Hereditary neoplastic syndrome. Identifiers: Orphanet 140162, MedGen C0027672, MeSH D009386, MONDO:0015356.
Hereditary diffuse gastric adenocarcinoma (HDGC). Also called: DIFFUSE GASTRIC AND LOBULAR BREAST CANCER SYNDROME. Identifiers: Orphanet 26106, MedGen C1708349, MONDO:0007648, OMIM 137215.

Allele frequency attached by ClinVar (database versions not stated): gnomAD exomes below 0.00001; ExAC 0.00001.
gnomAD v4.1: 1 of 1,614,126 alleles (0.000062%); highest among the groups gnomAD compares: South Asian, 0.0011%; no homozygotes.

Submissions (3):

Ambry Genetics
Classification: Uncertain significance for Hereditary cancer-predisposing syndrome. Last evaluated: 2026-02-24. Review status: criteria provided, single submitter. Criteria: Ambry Variant Classification Scheme 2023. Collection method: clinical testing. Allele origin: germline.
Comment: The p.V782A variant (also known as c.2345T>C), located in coding exon 15 of the CDH1 gene, results from a T to C substitution at nucleotide position 2345. The valine at codon 782 is replaced by alanine, an amino acid with similar properties. This amino acid position is conserved. In addition, the in silico prediction for this alteration is inconclusive. Based on the available evidence, the clinical significance of this variant remains unclear.

Labcorp Genetics (formerly Invitae), Labcorp
Classification: Uncertain significance for Hereditary diffuse gastric adenocarcinoma. Last evaluated: 2024-03-06. Review status: criteria provided, single submitter. Criteria: Invitae Variant Classification Sherloc (09022015). Collection method: clinical testing. Allele origin: germline.
Comment: This sequence change replaces valine, which is neutral and non-polar, with alanine, which is neutral and non-polar, at codon 782 of the CDH1 protein (p.Val782Ala). This variant is present in population databases (rs746274636, gnomAD 0.003%). This variant has not been reported in the literature in individuals affected with CDH1-related conditions. ClinVar contains an entry for this variant (Variation ID: 856908). An algorithm developed to predict the effect of missense changes on protein structure and function (PolyPhen-2) suggests that this variant is likely to be disruptive. In summary, the available evidence is currently insufficient to determine the role of this variant in disease. Therefore, it has been classified as a Variant of Uncertain Significance.

Color Diagnostics, LLC DBA Color Health
Classification: Uncertain significance for Hereditary cancer-predisposing syndrome. Last evaluated: 2023-12-04. Review status: criteria provided, single submitter. Criteria: ACMG Guidelines, 2015. Collection method: clinical testing. Allele origin: germline.
Comment: This missense variant replaces valine with alanine at codon 782 of the CDH1 protein. To our knowledge, functional studies have not been reported for this variant. This variant has not been reported in individuals affected with CDH1-related disorders in the literature. This variant has been identified in 1/251460 chromosomes in the general population by the Genome Aggregation Database (gnomAD). The available evidence is insufficient to determine the role of this variant in disease conclusively. Therefore, this variant is classified as a Variant of Uncertain Significance.

NM_004360.5(CDH1):c.2345T>C (p.Val782Ala)

Gene: CDH1 (cadherin 1; plus strand). Cytogenetic location: 16q22.1.
Variant type: single nucleotide variant.
Coding change: c.2345T>C on transcript NM_004360.5 (MANE Select); coding-DNA position 2345, T replaced by C.
Protein change: p.Val782Ala; replaces valine 782 with alanine.
Molecular consequence: missense variant.
Genome position (GRCh38, 1-based): chr16:68,829,703, T>C. VCF-style: chr16-68829703-T-C. GRCh37 (hg19) VCF-style: chr16-68863606-T-C.
Other names: c.2162T>C, p.Val721Ala (NM_001317184.2); c.797T>C, p.Val266Ala (NM_001317185.2); c.380T>C, p.Val127Ala (NM_001317186.2); short protein forms V127A, V266A, V782A, V721A.
Identifiers: ClinVar variation 856908 (VCV000856908.17), dbSNP rs746274636, ClinGen allele CA8130260.
Genomic context (GRCh38, chr16:68,829,703, plus strand): 5'-TTTCTCCAAAGGACTTTGACTTGAGCCAGCTGCACAGGGGCCTGGACGCTCGGCCTGAAG[T>C]GACTCGTAACGACGTTGCACCAACCCTCATGAGTGTCCCCCGGTATCTTCCCCGCCCTGC-3'
Protein context (NP_004351.1, residues 772-792): LHRGLDARPE[Val782Ala]TRNDVAPTLM